The following is an entry in ClinVar:

NM_001278716.2(FBXL4):c.*9A>G

Gene: FBXL4 (F-box and leucine rich repeat protein 4; minus strand). Cytogenetic location: 6q16.1.
Variant type: single nucleotide variant.
Coding change: c.*9A>G on transcript NM_001278716.2 (MANE Select); 9 bases downstream of the stop codon, A replaced by G.
Molecular consequence: 3 prime UTR variant. On other transcripts: non-coding transcript variant (1).
Genome position (GRCh38, 1-based): chr6:98,874,269, T>C on the plus strand (A>G on the coding strand, the complement: FBXL4 is on the minus strand). VCF-style: chr6-98874269-T-C. GRCh37 (hg19) VCF-style: chr6-99322145-T-C.
Other names: c.*9A>G (NM_012160.5).
Identifiers: ClinVar variation 437827 (VCV000437827.7), dbSNP rs185850413, ClinGen allele CA3933330.
Genomic context (GRCh38, chr6:98,874,269, plus strand): 5'-AACCCAAAACCAATCCCAAAATTAAACCCCAACAAAGCACATTAATTTTAATACAGAACA[T>C]ATATTAAGTCACTGAGTAAAGCTCTTTTTTATGAACACTTTTGGAAAGCTTGCATTCAGT-3'

ClinVar aggregate classification (germline): Conflicting classifications of pathogenicity. Review status: criteria provided, conflicting classifications (1 of 4 stars). 4 submissions from 4 submitters: Uncertain significance (1); Likely benign (3). Last evaluated 2025-07-02.

Conditions:
Mitochondrial DNA depletion syndrome 13. Also called: Mitochondrial DNA depletion syndrome 13 (encephalomyopathic type); FBXL4-Related Encephalomyopathic Mitochondrial DNA Depletion Syndrome. Identifiers: Orphanet 369897, MedGen C3809592, MONDO:0014198, OMIM 615471.

Allele frequency attached by ClinVar (database versions not stated): 1000 Genomes Project 30x 0.00031; 1000 Genomes Project 0.00040; ExAC 0.00088; gnomAD exomes 0.00103 and 0.00145; TOPMed 0.00109; ESP Exome Variant Server 0.00115; gnomAD 0.00119 and 0.00127.
gnomAD v4.1: 2,218 of 1,568,334 alleles (0.14%); highest among the groups gnomAD compares: Non-Finnish European, 0.18%; no homozygotes.

Submissions (4):

Mayo Clinic Laboratories, Mayo Clinic
Classification: Likely benign. Last evaluated: 2025-07-02. Review status: criteria provided, single submitter. Criteria: ACMG Guidelines, 2015. Collection method: clinical testing. Allele origin: germline. Observed: 4 variant alleles.
Comment: BS1

GeneDx
Classification: Likely benign. Last evaluated: 2024-11-26. Review status: criteria provided, single submitter. Criteria: GeneDx Variant Classification Process June 2021. Collection method: clinical testing. Allele origin: germline. Affected: yes.
Comment: See Variant Classification Assertion Criteria.

Blueprint Genetics
Classification: Likely benign. Last evaluated: 2024-06-17. Review status: criteria provided, single submitter. Criteria: ACMG Guidelines, 2015. Collection method: clinical testing. Allele origin: germline.

Wong Mito Lab, Molecular and Human Genetics, Baylor College of Medicine
Classification: Uncertain significance for Mitochondrial DNA depletion syndrome 13. Last evaluated: 2017-08-10. Review status: criteria provided, single submitter. Criteria: ACMG Guidelines, 2015. Collection method: reference population. Allele origin: germline.
Comment: The NM_012160.4:c.*9A>G (NP_036292.2:p.=) [GRCH38: NC_000006.12:g.98874269T>C] variant in FBXL4 gene is interpretated to be a Uncertain Significance - Conflicting Evidence based on ACMG guidelines (PMID: 25741868). This variant meets one or more of the following evidence codes reported in the ACMG-guideline. PM2:This variant is absent in key population databases. BS1:The minor allele frequency of this allele is high for Mitochondrial DNA depletion syndrome 13. BP4:Computational evidence/predictors indicate no impact on the FBXL4 structure, function, or protein-protein interaction. Based on this evidence code ClinGen Pathogenicity Calculator (PMID:28081714) suggested that the variant is Uncertain Significance - Conflicting Evidence.